The following is an entry in ClinVar:

ClinVar aggregate classification (germline): Likely benign (1 of 4 stars; one submission).

Conditions:
Polydactyly of a triphalangeal thumb. Also called: POLYDACTYLY OF TRIPHALANGEAL THUMB; TRIPHALANGEAL THUMB-POLYDACTYLY SYNDROME; Polydactyly, preaxial type II. Identifiers: Orphanet 2439, Orphanet 2950, Orphanet 93336, MedGen C1868114, MONDO:0008270, OMIM 174500.

Allele frequency attached by ClinVar (database versions not stated): TOPMed 0.00006; gnomAD exomes 0.00002; ExAC 0.00003; gnomAD 0.00004.
gnomAD v4.1: 66 of 1,610,834 alleles (0.0041%); highest among the groups gnomAD compares: Non-Finnish European, 0.0047%; no homozygotes.

Submission:

Illumina Laboratory Services, Illumina
Classification: Likely benign for Polydactyly of a triphalangeal thumb. Last evaluated: 2018-01-13. Review status: criteria provided, single submitter. Criteria: ICSL Variant Classification Criteria 13 December 2019. Collection method: clinical testing. Allele origin: germline.
Comment: This variant was observed in the ICSL laboratory as part of a predisposition screen in an ostensibly healthy population. It had not been previously curated by ICSL or reported in the Human Gene Mutation Database (HGMD: prior to June 1st, 2018), and was therefore a candidate for classification through an automated scoring system. Utilizing variant allele frequency, disease prevalence and penetrance estimates, and inheritance mode, an automated score was calculated to assess if this variant is too frequent to cause the disease. Based on the score and internal cut-off values, a variant classified as likely benign is not then subjected to further curation. The score for this variant resulted in a classification of likely benign for this disease.

NM_022458.4(LMBR1):c.204C>T (p.Leu68=)

Gene: LMBR1 (limb development membrane protein 1; minus strand). Cytogenetic location: 7q36.3.
Variant type: single nucleotide variant.
Coding change: c.204C>T on transcript NM_022458.4 (MANE Select); coding-DNA position 204, C replaced by T.
Protein change: p.Leu68=; no amino-acid change (leucine 68 retained).
Molecular consequence: synonymous variant. On other transcripts: 5 prime UTR variant (6), non-coding transcript variant (2), intron variant (1).
Genome position (GRCh38, 1-based): chr7:156,826,720, G>A on the plus strand (C>T on the coding strand, the complement: LMBR1 is on the minus strand). VCF-style: chr7-156826720-G-A. GRCh37 (hg19) VCF-style: chr7-156619414-G-A.
Other names: c.204C>T, p.Leu68= (NM_001350953.2, NM_001363409.2, NM_001363410.2); c.-331C>T (NM_001350955.2, NM_001350956.2, NM_001350958.2 and 1 more transcripts); c.-166C>T (NM_001350957.2, NM_001363411.2); c.141C>T, p.Leu47= (NM_001363412.2); c.40+7033C>T (NM_001350954.2).
Identifiers: ClinVar variation 359437 (VCV000359437.5), dbSNP rs766669976, ClinGen allele CA4588181.
Genomic context (GRCh38, chr7:156,826,720, plus strand): 5'-CAGGATTTCATTGCTGATGATTGAGAAGGGTAAAAGCAAAACAGCCCCAGCTGACACTGC[G>A]AGAGTGAACGTGCTCAAAAACAACCTGGAAGAAAGGAGAGTCACCATCACAAGTGATCTG-3'
Protein context (NP_071903.2, residues 58-78): RISLFLSTFT[Leu68=]AVSAGAVLLL